The following is an entry in ClinVar:

ClinVar aggregate classification (germline): Uncertain significance (1 of 4 stars; one submission).

gnomAD v4.1: 8 of 1,596,162 alleles (0.0005%); highest among the groups gnomAD compares: Non-Finnish European, 0.00068%; no homozygotes.

Submission:

Ambry Genetics
Classification: Uncertain significance. Last evaluated: 2023-01-26. Review status: criteria provided, single submitter. Criteria: Ambry Variant Classification Scheme 2023. Collection method: clinical testing. Allele origin: germline.
Comment: The p.E684G variant (also known as c.2051A>G), located in coding exon 18 of the PRKDC gene, results from an A to G substitution at nucleotide position 2051. The glutamic acid at codon 684 is replaced by glycine, an amino acid with similar properties. This amino acid position is conserved. In addition, this alteration is predicted to be tolerated by in silico analysis. Since supporting evidence is limited at this time, the clinical significance of this alteration remains unclear.

NM_006904.7(PRKDC):c.2051A>G (p.Glu684Gly)

Gene: PRKDC (protein kinase, DNA-activated, catalytic subunit; minus strand). Cytogenetic location: 8q11.21.
Variant type: single nucleotide variant.
Coding change: c.2051A>G on transcript NM_006904.7 (MANE Select); coding-DNA position 2051, A replaced by G.
Protein change: p.Glu684Gly; replaces glutamic acid 684 with glycine.
Molecular consequence: missense variant.
Genome position (GRCh38, 1-based): chr8:47,929,854, T>C on the plus strand (A>G on the coding strand, the complement: PRKDC is on the minus strand). VCF-style: chr8-47929854-T-C. GRCh37 (hg19) VCF-style: chr8-48842414-T-C.
Other names: c.2051A>G, p.Glu684Gly (NM_001081640.2); short protein forms E684G.
Identifiers: ClinVar variation 2449869 (VCV002449869.2), dbSNP rs748937634, ClinGen allele CA371164070.